The following is an entry in ClinVar:

NM_001365276.2(TNXB):c.11249G>A (p.Arg3750His)

Genes: TNXB (tenascin XB; minus strand), LOC106780803 (tenascin XB recombination region; plus strand). Cytogenetic location: 6p21.33.
Variant type: single nucleotide variant.
Coding change: c.11249G>A on transcript NM_001365276.2 (MANE Select); coding-DNA position 11249, G replaced by A.
Protein change: p.Arg3750His; replaces arginine 3750 with histidine.
Molecular consequence: missense variant.
Genome position (GRCh38, 1-based): chr6:32,044,395, C>T on the plus strand (G>A on the coding strand, the complement: TNXB is on the minus strand). VCF-style: chr6-32044395-C-T. GRCh37 (hg19) VCF-style: chr6-32012172-C-T.
Other names: p.Arg3748His; c.11990G>A, p.Arg3997His (NM_001428335.1); c.11243G>A, p.Arg3748His (NM_019105.8); c.536G>A, p.Arg179His (NM_032470.4); short protein forms R179H, R3748H, R3997H, R3750H.
Identifiers: ClinVar variation 4541124 (VCV004541124.1).

ClinVar aggregate classification (germline): Uncertain significance (1 of 4 stars; one submission).

Submission:

Mayo Clinic Laboratories, Mayo Clinic
Classification: Uncertain significance. Last evaluated: 2025-06-04. Review status: criteria provided, single submitter. Criteria: ACMG Guidelines, 2015. Collection method: clinical testing. Allele origin: germline. Observed: 1 variant allele.
Comment: BP4_moderate, PM2_supporting